The following is an entry in ClinVar:

ClinVar aggregate classification (germline): Uncertain significance. Review status: criteria provided, multiple submitters, no conflicts (2 of 4 stars). 2 submissions from 2 submitters: Uncertain significance (2). Last evaluated 2020-02-14.

Conditions:
Nemaline myopathy 6 (NEM6). Also called: Nemaline myopathy 6, autosomal dominant. Identifiers: Orphanet 171439, MedGen C1836472, MONDO:0012237, OMIM 609273.

Allele frequency attached by ClinVar (database versions not stated): gnomAD 0.00001; gnomAD exomes 0.00001; TOPMed 0.00001; 1000 Genomes Project 30x 0.00016; 1000 Genomes Project 0.00020.

Submissions (2):

Labcorp Genetics (formerly Invitae), Labcorp
Classification: Uncertain significance for Nemaline myopathy 6. Last evaluated: 2020-02-14. Review status: criteria provided, single submitter. Criteria: Invitae Variant Classification Sherloc (09022015). Collection method: clinical testing. Allele origin: germline.
Comment: In summary, the available evidence is currently insufficient to determine the role of this variant in disease. Therefore, it has been classified as a Variant of Uncertain Significance. Algorithms developed to predict the effect of missense changes on protein structure and function are either unavailable or do not agree on the potential impact of this missense change (SIFT: "Deleterious"; PolyPhen-2: "Probably Damaging"; Align-GVGD: "Class C0"). This variant has not been reported in the literature in individuals with KBTBD13-related conditions. The frequency data for this variant in the population databases is considered unreliable, as metrics indicate insufficient coverage at this position in the ExAC database. This sequence change replaces valine with methionine at codon 217 of the KBTBD13 protein (p.Val217Met). The valine residue is moderately conserved and there is a small physicochemical difference between valine and methionine.

Illumina Laboratory Services, Illumina
Classification: Uncertain significance for Nemaline myopathy 6. Last evaluated: 2018-01-13. Review status: criteria provided, single submitter. Criteria: ICSL Variant Classification Criteria 13 December 2019. Collection method: clinical testing. Allele origin: germline.

NM_001101362.3(KBTBD13):c.649G>A (p.Val217Met)

Gene: KBTBD13 (kelch repeat and BTB domain containing 13; plus strand). Cytogenetic location: 15q22.31.
Variant type: single nucleotide variant.
Coding change: c.649G>A on transcript NM_001101362.3 (MANE Select); coding-DNA position 649, G replaced by A.
Protein change: p.Val217Met; replaces valine 217 with methionine.
Molecular consequence: missense variant.
Genome position (GRCh38, 1-based): chr15:65,077,464, G>A. VCF-style: chr15-65077464-G-A. GRCh37 (hg19) VCF-style: chr15-65369802-G-A.
Other names: short protein forms V217M.
Identifiers: ClinVar variation 887530 (VCV000887530.12), dbSNP rs555158930, ClinGen allele CA271503874.